The following is an entry in ClinVar:

ClinVar aggregate classification (germline): Uncertain significance. Review status: criteria provided, multiple submitters, no conflicts (2 of 4 stars). 2 submissions from 2 submitters: Uncertain significance (2). Last evaluated 2025-01-06.

Conditions:
Retinoblastoma (RB1). Also called: RETINOBLASTOMA, SOMATIC. Identifiers: Orphanet 790, MedGen C0035335, MeSH D012175, MONDO:0008380, OMIM 180200, HP:0009919. Disease mechanism: loss of function. Inheritance: Both sporadic and heritable forms are tested..
Hereditary cancer-predisposing syndrome. Also called: Hereditary Cancer Syndrome; Neoplastic Syndromes, Hereditary; Tumor predisposition; Hereditary neoplastic syndrome. Identifiers: Orphanet 140162, MedGen C0027672, MeSH D009386, MONDO:0015356.

Allele frequency attached by ClinVar (database versions not stated): TOPMed below 0.00001.

Submissions (2):

Ambry Genetics
Classification: Uncertain significance for Hereditary cancer-predisposing syndrome. Last evaluated: 2025-01-06. Review status: criteria provided, single submitter. Criteria: Ambry Variant Classification Scheme 2023. Collection method: clinical testing. Allele origin: germline.
Comment: The p.S565P variant (also known as c.1693T>C), located in coding exon 17 of the RB1 gene, results from a T to C substitution at nucleotide position 1693. The serine at codon 565 is replaced by proline, an amino acid with similar properties. This amino acid position is conserved. In addition, the in silico prediction for this alteration is inconclusive. Based on the available evidence, the clinical significance of this variant remains unclear.

Labcorp Genetics (formerly Invitae), Labcorp
Classification: Uncertain significance for Retinoblastoma. Last evaluated: 2021-12-23. Review status: criteria provided, single submitter. Criteria: Invitae Variant Classification Sherloc (09022015). Collection method: clinical testing. Allele origin: germline.
Comment: This variant is not present in population databases (gnomAD no frequency). This variant has not been reported in the literature in individuals affected with RB1-related conditions. Algorithms developed to predict the effect of missense changes on protein structure and function are either unavailable or do not agree on the potential impact of this missense change (SIFT: "Deleterious"; PolyPhen-2: "Probably Damaging"; Align-GVGD: "Class C0"). In summary, the available evidence is currently insufficient to determine the role of this variant in disease. Therefore, it has been classified as a Variant of Uncertain Significance. This sequence change replaces serine, which is neutral and polar, with proline, which is neutral and non-polar, at codon 565 of the RB1 protein (p.Ser565Pro).

NM_000321.3(RB1):c.1693T>C (p.Ser565Pro)

Gene: RB1 (RB transcriptional corepressor 1; plus strand). Cytogenetic location: 13q14.2.
Variant type: single nucleotide variant.
Coding change: c.1693T>C on transcript NM_000321.3 (MANE Select); coding-DNA position 1693, T replaced by C.
Protein change: p.Ser565Pro; replaces serine 565 with proline.
Molecular consequence: missense variant.
Genome position (GRCh38, 1-based): chr13:48,381,441, T>C. VCF-style: chr13-48381441-T-C. GRCh37 (hg19) VCF-style: chr13-48955577-T-C.
Other names: c.1693T>C, p.Ser565Pro (NM_001407165.1, NM_001407166.1); short protein forms S565P.
Identifiers: ClinVar variation 2182687 (VCV002182687.5), dbSNP rs918222012, ClinGen allele CA249282041.